The following is an entry in ClinVar:

ClinVar aggregate classification (germline): Uncertain significance. Review status: criteria provided, multiple submitters, no conflicts (2 of 4 stars). 2 submissions from 2 submitters: Uncertain significance (2). Last evaluated 2025-02-20.

Conditions:
Cardiovascular phenotype. Identifiers: MedGen CN230736.

Submissions (2):

Ambry Genetics
Classification: Uncertain significance for Cardiovascular phenotype. Last evaluated: 2025-02-20. Review status: criteria provided, single submitter. Criteria: Ambry Variant Classification Scheme 2023. Collection method: clinical testing. Allele origin: germline.
Comment: The p.E404G variant (also known as c.1211A>G), located in coding exon 12 of the CACNB2 gene, results from an A to G substitution at nucleotide position 1211. The glutamic acid at codon 404 is replaced by glycine, an amino acid with similar properties. This amino acid position is conserved. In addition, this alteration is predicted to be deleterious by in silico analysis. Based on the available evidence, the clinical significance of this variant remains unclear.

AiLife Diagnostics
Classification: Uncertain significance. Last evaluated: 2022-01-25. Review status: criteria provided, single submitter. Criteria: ACMG Guidelines, 2015. Collection method: clinical testing. Allele origin: germline. Affected: yes. Observed: 1 variant allele.

NM_201596.3(CACNB2):c.1373A>G (p.Glu458Gly)

Gene: CACNB2 (calcium voltage-gated channel auxiliary subunit beta 2; plus strand). Cytogenetic location: 10p12.31.
Variant type: single nucleotide variant.
Coding change: c.1373A>G on transcript NM_201596.3 (MANE Select); coding-DNA position 1373, A replaced by G.
Protein change: p.Glu458Gly; replaces glutamic acid 458 with glycine.
Molecular consequence: missense variant.
Genome position (GRCh38, 1-based): chr10:18,538,250, A>G. VCF-style: chr10-18538250-A-G. GRCh37 (hg19) VCF-style: chr10-18827179-A-G.
Other names: c.1208A>G, p.Glu403Gly (NM_000724.4); c.1175A>G, p.Glu392Gly (NM_001167945.2); c.1094A>G, p.Glu365Gly (NM_001330060.2); c.1229A>G, p.Glu410Gly (NM_201570.3); c.1289A>G, p.Glu430Gly (NM_201571.4); c.1217A>G, p.Glu406Gly (NM_201572.4); c.1211A>G, p.Glu404Gly (NM_201590.3); c.1259A>G, p.Glu420Gly (NM_201593.3); and 2 more; short protein forms E365G, E392G, E403G, E404G, E406G, E410G, E420G, E430G.
Identifiers: ClinVar variation 1677839 (VCV001677839.2), dbSNP rs2133324424, ClinGen allele CA376070285.
Genomic context (GRCh38, chr10:18,538,250, plus strand): 5'-ATGTGATCTTGGATGAGAACCAGCTTGAGGATGCCTGTGAGCACCTTGCCGACTATCTGG[A>G]GGCCTACTGGAAGGCCACCCATCCTCCCAGCAGTAGCCTCCCCAACCCTCTCCTTAGCCG-3'
Protein context (NP_963890.2, residues 448-468): DACEHLADYL[Glu458Gly]AYWKATHPPS